The following is an entry in ClinVar:

NM_001148.6(ANK2):c.6642G>A (p.Pro2214=)

Gene: ANK2 (ankyrin 2; plus strand). Cytogenetic location: 4q26.
Variant type: single nucleotide variant.
Coding change: c.6642G>A on transcript NM_001148.6 (MANE Select); coding-DNA position 6642, G replaced by A.
Protein change: p.Pro2214=; no amino-acid change (proline 2214 retained).
Molecular consequence: synonymous variant. On other transcripts: intron variant (68).
Genome position (GRCh38, 1-based): chr4:113,355,260, G>A. VCF-style: chr4-113355260-G-A. GRCh37 (hg19) VCF-style: chr4-114276416-G-A.
Other names: c.6408G>A, p.Pro2136= (NM_001386142.1); c.3042G>A, p.Pro1014= (NM_001386166.1); c.6783G>A, p.Pro2261= (NM_001386174.1); c.6759G>A, p.Pro2253= (NM_001386175.1); c.4411+5011G>A (NM_001386186.2, NM_001386148.2); c.4213+5011G>A (NM_001354269.3); c.4291+5011G>A (NM_001386187.2); c.4252+5011G>A (NM_001386147.1); and 35 more.
Identifiers: ClinVar variation 517684 (VCV000517684.9), dbSNP rs775073103, ClinGen allele CA3051449.

ClinVar aggregate classification (germline): Conflicting classifications of pathogenicity. Review status: criteria provided, conflicting classifications (1 of 4 stars). 4 submissions from 4 submitters: Uncertain significance (1); Likely benign (3). Last evaluated 2024-05-06.

Conditions:
Cardiovascular phenotype. Identifiers: MedGen CN230736.
Long QT syndrome (LQTS). Identifiers: MedGen C0023976, MeSH D008133, MONDO:0002442. Disease mechanism: loss of function. Inheritance: Various modes of inheritance.
Cardiac arrhythmia, ankyrin-B-related. Also called: ANKYRIN-B SYNDROME. Identifiers: Orphanet 101016, Orphanet 768, MedGen C1970119, MONDO:0010958, OMIM 600919.

Allele frequency attached by ClinVar (database versions not stated): ExAC 0.00002; gnomAD exomes 0.00002.
gnomAD v4.1: 5 of 1,614,052 alleles (0.00031%); highest among the groups gnomAD compares: Admixed American, 0.0033%; no homozygotes.

Submissions (4):

Labcorp Genetics (formerly Invitae), Labcorp
Classification: Likely benign for Long QT syndrome. Last evaluated: 2024-05-06. Review status: criteria provided, single submitter. Criteria: Invitae Variant Classification Sherloc (09022015). Collection method: clinical testing. Allele origin: germline.

Ambry Genetics
Classification: Likely benign for Cardiovascular phenotype. Last evaluated: 2020-09-15. Review status: criteria provided, single submitter. Criteria: Ambry Variant Classification Scheme 2023. Collection method: clinical testing. Allele origin: germline.

Illumina Laboratory Services, Illumina
Classification: Uncertain significance for Cardiac arrhythmia, ankyrin-B-related. Last evaluated: 2018-01-12. Review status: criteria provided, single submitter. Criteria: ICSL Variant Classification Criteria 13 December 2019. Collection method: clinical testing. Allele origin: germline.

GeneDx
Classification: Likely benign. Last evaluated: 2017-01-18. Review status: criteria provided, single submitter. Criteria: GeneDx Variant Classification (06012015). Collection method: clinical testing. Allele origin: germline. Affected: yes.
Comment: This variant is considered likely benign or benign based on one or more of the following criteria: it is a conservative change, it occurs at a poorly conserved position in the protein, it is predicted to be benign by multiple in silico algorithms, and/or has population frequency not consistent with disease.